The following is an entry in ClinVar:

ClinVar aggregate classification (germline): Uncertain significance (1 of 4 stars; one submission).

Submission:

GeneDx
Classification: Uncertain significance. Last evaluated: 2024-07-01. Review status: criteria provided, single submitter. Criteria: GeneDx Variant Classification Process June 2021. Collection method: clinical testing. Allele origin: germline. Affected: yes.
Comment: Not observed at significant frequency in large population cohorts (gnomAD); In silico analysis supports that this missense variant has a deleterious effect on protein structure/function; Has not been previously published as pathogenic or benign to our knowledge

NM_001349798.2(FBXW7):c.1899C>G (p.Asn633Lys)

Gene: FBXW7 (F-box and WD repeat domain containing 7; minus strand). Cytogenetic location: 4q31.3.
Variant type: single nucleotide variant.
Coding change: c.1899C>G on transcript NM_001349798.2 (MANE Select); coding-DNA position 1899, C replaced by G.
Protein change: p.Asn633Lys; replaces asparagine 633 with lysine.
Molecular consequence: missense variant.
Genome position (GRCh38, 1-based): chr4:152,323,106, G>C on the plus strand (C>G on the coding strand, the complement: FBXW7 is on the minus strand). VCF-style: chr4-152323106-G-C. GRCh37 (hg19) VCF-style: chr4-153244258-G-C.
Other names: c.1545C>G, p.Asn515Lys (NM_001013415.2); c.1659C>G, p.Asn553Lys (NM_018315.5); c.1899C>G, p.Asn633Lys (NM_033632.3); short protein forms N553K, N633K, N515K.
Identifiers: ClinVar variation 3393716 (VCV003393716.1).